The following is an entry in ClinVar:

ClinVar aggregate classification (germline): Uncertain significance (1 of 4 stars; one submission).

Conditions:
Rubinstein-Taybi syndrome (RSTS). Identifiers: Orphanet 783, MedGen C0035934, MONDO:0019188.

gnomAD v4.1: 1 of 1,613,470 alleles (0.000062%); highest among the groups gnomAD compares: Non-Finnish European, 0.000085%; no homozygotes.

Submission:

Labcorp Genetics (formerly Invitae), Labcorp
Classification: Uncertain significance for Rubinstein-Taybi syndrome. Last evaluated: 2025-09-28. Review status: criteria provided, single submitter. Criteria: Invitae Variant Classification Sherloc (09022015). Collection method: clinical testing. Allele origin: germline.
Comment: This sequence change replaces glycine, which is neutral and non-polar, with aspartic acid, which is acidic and polar, at codon 826 of the CREBBP protein (p.Gly826Asp). This variant is not present in population databases (gnomAD no frequency). This variant has not been reported in the literature in individuals affected with CREBBP-related conditions. Invitae Evidence Modeling of protein sequence and biophysical properties (such as structural, functional, and spatial information, amino acid conservation, physicochemical variation, residue mobility, and thermodynamic stability) indicates that this missense variant is not expected to disrupt CREBBP protein function with a negative predictive value of 95%. In summary, the available evidence is currently insufficient to determine the role of this variant in disease. Therefore, it has been classified as a Variant of Uncertain Significance.

NM_004380.3(CREBBP):c.2477G>A (p.Gly826Asp)

Gene: CREBBP (CREB binding lysine acetyltransferase; minus strand). Cytogenetic location: 16p13.3.
Variant type: single nucleotide variant.
Coding change: c.2477G>A on transcript NM_004380.3 (MANE Select); coding-DNA position 2477, G replaced by A.
Protein change: p.Gly826Asp; replaces glycine 826 with aspartic acid.
Molecular consequence: missense variant.
Genome position (GRCh38, 1-based): chr16:3,770,973, C>T on the plus strand (G>A on the coding strand, the complement: CREBBP is on the minus strand). VCF-style: chr16-3770973-C-T. GRCh37 (hg19) VCF-style: chr16-3820974-C-T.
Other names: c.2363G>A, p.Gly788Asp (NM_001079846.1); short protein forms G826D, G788D.
Identifiers: ClinVar variation 4709778 (VCV004709778.1).